The following is an entry in ClinVar:

ClinVar aggregate classification (germline): Likely benign. Review status: criteria provided, multiple submitters, no conflicts (2 of 4 stars). 2 submissions from 2 submitters: Likely benign (2). Last evaluated 2025-10-08.

Conditions:
Ataxia-telangiectasia syndrome (AT). Also called: AT, COMPLEMENTATION GROUP C; Ataxia-telangiectasia, complementation group D; ATAXIA-TELANGIECTASIA, COMPLEMENTATION GROUP A; ATAXIA-TELANGIECTASIA, FRESNO VARIANT; Ataxia-telangiectasia; Ataxia-telangiectasia, complementation group E. Identifiers: Orphanet 100, MedGen C0004135, MONDO:0008840, OMIM 208900.
Familial cancer of breast. Also called: hereditary breast carcinoma; BREAST CANCER, FAMILIAL; Hereditary breast cancer. Identifiers: Orphanet 227535, MedGen C0346153, MONDO:0016419, OMIM 114480. Disease mechanism: loss of function.

Allele frequency attached by ClinVar (database versions not stated): TOPMed below 0.00001; gnomAD 0.00001.
gnomAD v4.1: 3 of 790,358 alleles (0.00038%); highest among the groups gnomAD compares: Non-Finnish European, 0.00059%; no homozygotes.

Submissions (2):

Labcorp Genetics (formerly Invitae), Labcorp
Classification: Likely benign for Ataxia-telangiectasia syndrome. Last evaluated: 2025-10-08. Review status: criteria provided, single submitter. Criteria: Invitae Variant Classification Sherloc (09022015). Collection method: clinical testing. Allele origin: germline.

Myriad Genetics, Inc.
Classification: Likely benign for Familial cancer of breast. Last evaluated: 2024-06-07. Review status: criteria provided, single submitter. Criteria: Myriad Autosomal Dominant, Autosomal Recessive and X-Linked Classification Criteria (2023). Collection method: clinical testing. Allele origin: unknown.
Comment: This variant is considered likely benign. This variant is intronic and is not expected to impact mRNA splicing.

NM_000051.4(ATM):c.6573-14G>C

Genes: ATM (ATM serine/threonine kinase; plus strand), C11orf65 (chromosome 11 open reading frame 65; minus strand). Cytogenetic location: 11q22.3.
Variant type: single nucleotide variant.
Coding change: c.6573-14G>C on transcript NM_000051.4 (MANE Select); 14 bases into the intron before coding-DNA position 6573, G replaced by C.
Molecular consequence: intron variant.
Genome position (GRCh38, 1-based): chr11:108,325,296, G>C. VCF-style: chr11-108325296-G-C. GRCh37 (hg19) VCF-style: chr11-108196023-G-C.
Other names: c.6573-14G>C (NM_001351834.2); c.641-16225C>G (NM_001330368.2); c.*38+9924C>G (NM_001351110.2).
Identifiers: ClinVar variation 3253763 (VCV003253763.1), dbSNP rs1173909268.